The following is an entry in ClinVar:

NM_001909.5(CTSD):c.19C>G (p.Leu7Val)

Genes: CTSD (cathepsin D; minus strand), LOC130005119 (ATAC-STARR-seq lymphoblastoid silent region 3058; plus strand). Cytogenetic location: 11p15.5.
Variant type: single nucleotide variant.
Coding change: c.19C>G on transcript NM_001909.5 (MANE Select); coding-DNA position 19, C replaced by G.
Protein change: p.Leu7Val; replaces leucine 7 with valine.
Molecular consequence: missense variant.
Genome position (GRCh38, 1-based): chr11:1,763,841, G>C on the plus strand (C>G on the coding strand, the complement: CTSD is on the minus strand). VCF-style: chr11-1763841-G-C. GRCh37 (hg19) VCF-style: chr11-1785071-G-C.
Other names: short protein forms L7V.
Identifiers: ClinVar variation 457959 (VCV000457959.7), dbSNP rs1470191996, ClinGen allele CA379101013.

ClinVar aggregate classification (germline): Uncertain significance. Review status: criteria provided, multiple submitters, no conflicts (2 of 4 stars). 2 submissions from 2 submitters: Uncertain significance (2). Last evaluated 2022-10-26.

Conditions:
Inborn genetic diseases. Identifiers: MedGen C0950123, MeSH D030342.
Neuronal ceroid lipofuscinosis. Also called: Neuronal Ceroid Lipofuscinoses. Identifiers: Orphanet 216, Orphanet 79263, MedGen C0027877, MONDO:0016295. Disease mechanism: loss of function.

Allele frequency attached by ClinVar (database versions not stated): gnomAD 0.00001; gnomAD exomes 0.00002.

Submissions (2):

Ambry Genetics
Classification: Uncertain significance for Inborn genetic diseases. Last evaluated: 2022-10-26. Review status: criteria provided, single submitter. Criteria: Ambry Variant Classification Scheme 2023. Collection method: clinical testing. Allele origin: germline.

Labcorp Genetics (formerly Invitae), Labcorp
Classification: Uncertain significance for Neuronal ceroid lipofuscinosis. Last evaluated: 2022-08-23. Review status: criteria provided, single submitter. Criteria: Invitae Variant Classification Sherloc (09022015). Collection method: clinical testing. Allele origin: germline.
Comment: This sequence change replaces leucine, which is neutral and non-polar, with valine, which is neutral and non-polar, at codon 7 of the CTSD protein (p.Leu7Val). This variant is present in population databases (no rsID available, gnomAD 0.02%). This variant has not been reported in the literature in individuals affected with CTSD-related conditions. ClinVar contains an entry for this variant (Variation ID: 457959). Algorithms developed to predict the effect of missense changes on protein structure and function are either unavailable or do not agree on the potential impact of this missense change (SIFT: "Tolerated"; PolyPhen-2: "Not Available"; Align-GVGD: "Class C0"). In summary, the available evidence is currently insufficient to determine the role of this variant in disease. Therefore, it has been classified as a Variant of Uncertain Significance.